The following is an entry in ClinVar:

NM_021871.4(FGA):c.1327A>C (p.Arg443=)

Gene: FGA (fibrinogen alpha chain; minus strand). Cytogenetic location: 4q31.3.
Variant type: single nucleotide variant.
Coding change: c.1327A>C on transcript NM_021871.4 (MANE Select); coding-DNA position 1327, A replaced by C.
Protein change: p.Arg443=; no amino-acid change (arginine 443 retained).
Molecular consequence: synonymous variant.
Genome position (GRCh38, 1-based): chr4:154,586,102, T>G on the plus strand (A>C on the coding strand, the complement: FGA is on the minus strand). VCF-style: chr4-154586102-T-G. GRCh37 (hg19) VCF-style: chr4-155507254-T-G.
Other names: c.1327A>C, p.Arg443= (NM_000508.5).
Identifiers: ClinVar variation 2655149 (VCV002655149.24), dbSNP rs2530820826, ClinGen allele CA442014232.

ClinVar aggregate classification (germline): Likely benign (1 of 4 stars; one submission).

Submission:

CeGaT Center for Human Genetics Tuebingen
Classification: Likely benign. Last evaluated: 2023-04-01. Review status: criteria provided, single submitter. Criteria: CeGaT Center For Human Genetics Tuebingen Variant Classification Criteria Version 2. Collection method: clinical testing. Allele origin: germline. Affected: yes. Observed: 1 variant allele.
Comment: FGA: PM2:Supporting, BP4, BP7